The following is an entry in ClinVar:

NM_080732.4(EGLN2):c.683G>T (p.Arg228Met)

Genes: EGLN2 (egl-9 family hypoxia inducible factor 2; plus strand), RAB4B-EGLN2 (RAB4B-EGLN2 readthrough (NMD candidate); plus strand). Cytogenetic location: 19q13.2.
Variant type: single nucleotide variant.
Coding change: c.683G>T on transcript NM_080732.4 (MANE Select); coding-DNA position 683, G replaced by T.
Protein change: p.Arg228Met; replaces arginine 228 with methionine.
Molecular consequence: missense variant. On other transcripts: non-coding transcript variant (1).
Genome position (GRCh38, 1-based): chr19:40,801,255, G>T. VCF-style: chr19-40801255-G-T. GRCh37 (hg19) VCF-style: chr19-41307160-G-T.
Other names: c.683G>T, p.Arg228Met (NM_053046.4); short protein forms R228M.
Identifiers: ClinVar variation 2451236 (VCV002451236.2), dbSNP rs1241401205, ClinGen allele CA405955766.

ClinVar aggregate classification (germline): Uncertain significance (1 of 4 stars; one submission).

Allele frequency attached by ClinVar (database versions not stated): TOPMed 0.00001.

Submission:

Ambry Genetics
Classification: Uncertain significance. Last evaluated: 2022-11-11. Review status: criteria provided, single submitter. Criteria: Ambry Variant Classification Scheme 2023. Collection method: clinical testing. Allele origin: germline.
Comment: The p.R228M variant (also known as c.683G>T), located in coding exon 1 of the EGLN2 gene, results from a G to T substitution at nucleotide position 683. The arginine at codon 228 is replaced by methionine, an amino acid with similar properties. This amino acid position is conserved. In addition, this alteration is predicted to be tolerated by in silico analysis. Since supporting evidence is limited at this time, the clinical significance of this alteration remains unclear.